The following is an entry in ClinVar:

NM_001367624.2(ZNF469):c.7574C>T (p.Pro2525Leu)

Gene: ZNF469 (zinc finger protein 469; plus strand). Cytogenetic location: 16q24.2.
Variant type: single nucleotide variant.
Coding change: c.7574C>T on transcript NM_001367624.2 (MANE Select); coding-DNA position 7574, C replaced by T.
Protein change: p.Pro2525Leu; replaces proline 2525 with leucine.
Molecular consequence: missense variant.
Genome position (GRCh38, 1-based): chr16:88,435,044, C>T. VCF-style: chr16-88435044-C-T. GRCh37 (hg19) VCF-style: chr16-88501452-C-T.
Other names: NM_001127464.1:c.7490C>T; short protein forms P2525L.
Identifiers: ClinVar variation 453096 (VCV000453096.8), dbSNP rs756003807, ClinGen allele CA8225264.
Genomic context (GRCh38, chr16:88,435,044, plus strand): 5'-CGAGCCCAGCGGCCTTGCCTGCTCAGCAGCCTCTAGAGCCCCTAGCCCAAAAGTGCCAGC[C>T]GCCCAGGAAGAAAAGCCACAGGGTGTCTGGGAAGGAGAGACCAAATCACTCACGGGGAGA-3'
Protein context (NP_001354553.1, residues 2515-2535): PLEPLAQKCQ[Pro2525Leu]PRKKSHRVSG

ClinVar aggregate classification (germline): Uncertain significance. Review status: criteria provided, multiple submitters, no conflicts (2 of 4 stars). 3 submissions from 3 submitters: Uncertain significance (3). Last evaluated 2024-01-22.

Conditions:
Cardiovascular phenotype. Identifiers: MedGen CN230736.

Allele frequency attached by ClinVar (database versions not stated): TOPMed 0.00001; gnomAD exomes 0.00005; ExAC 0.00006; gnomAD 0.00006.
gnomAD v4.1: 41 of 1,550,276 alleles (0.0026%); highest among the groups gnomAD compares: Middle Eastern, 0.017%; no homozygotes.

Submissions (3):

Labcorp Genetics (formerly Invitae), Labcorp
Classification: Uncertain significance. Last evaluated: 2024-01-22. Review status: criteria provided, single submitter. Criteria: Invitae Variant Classification Sherloc (09022015). Collection method: clinical testing. Allele origin: germline.
Comment: This sequence change replaces proline, which is neutral and non-polar, with leucine, which is neutral and non-polar, at codon 2497 of the ZNF469 protein (p.Pro2497Leu). This variant is present in population databases (rs756003807, gnomAD 0.02%). This variant has not been reported in the literature in individuals affected with ZNF469-related conditions. ClinVar contains an entry for this variant (Variation ID: 453096). An algorithm developed to predict the effect of missense changes on protein structure and function (PolyPhen-2) suggests that this variant¬†is likely to be tolerated. In summary, the available evidence is currently insufficient to determine the role of this variant in disease. Therefore, it has been classified as a Variant of Uncertain Significance.

Ambry Genetics
Classification: Uncertain significance for Cardiovascular phenotype. Last evaluated: 2023-09-26. Review status: criteria provided, single submitter. Criteria: Ambry Variant Classification Scheme 2023. Collection method: clinical testing. Allele origin: germline.
Comment: The p.P2497L variant (also known as c.7490C>T), located in coding exon 2 of the ZNF469 gene, results from a C to T substitution at nucleotide position 7490. The proline at codon 2497 is replaced by leucine, an amino acid with similar properties. This amino acid position is poorly conserved in available vertebrate species. In addition, this alteration is predicted to be tolerated by in silico analysis. Since supporting evidence is limited at this time, the clinical significance of this alteration remains unclear.

GeneDx
Classification: Uncertain significance. Last evaluated: 2017-11-02. Review status: criteria provided, single submitter. Criteria: GeneDx Variant Classification (06012015). Collection method: clinical testing. Allele origin: germline. Affected: yes.
Comment: A variant of uncertain significance has been identified in the ZNF469 gene. The P2497L variant has not been published as pathogenic or been reported as benign to our knowledge. The P2497L variant is a semi-conservative amino acid substitution, which may impact secondary protein structure as these residues differ in some properties. However, this substitution occurs at a position that is not conserved across species and in silico analysis predicts this variant likely does not alter the protein structure/function. The P2497L variant is observed in 3/18546 alleles (0.02%) from individuals of European (Finnish) ancestry in large population cohorts (Lek et al., 2016).